The following is an entry in ClinVar:

ClinVar aggregate classification (germline): Uncertain significance (1 of 4 stars; one submission).

Conditions:
Charcot-Marie-Tooth disease recessive intermediate C. Also called: CHARCOT-MARIE-TOOTH NEUROPATHY, RECESSIVE INTERMEDIATE C. Identifiers: Orphanet 369867, MedGen C3809309, MONDO:0014154, OMIM 615376.
Neuronopathy, distal hereditary motor, autosomal recessive 4. Also called: Autosomal recessive lower motor neuron disease with childhood onset; NEUROPATHY, DISTAL HEREDITARY MOTOR, AUTOSOMAL RECESSIVE 4. Identifiers: Orphanet 206580, MedGen C1970211, MONDO:0012608, OMIM 611067.

Allele frequency attached by ClinVar (database versions not stated): gnomAD exomes below 0.00001; gnomAD 0.00001; TOPMed 0.00001; ESP Exome Variant Server 0.00016.
gnomAD v4.1: 2 of 1,587,156 alleles (0.00013%); highest among the groups gnomAD compares: Non-Finnish European, 0.00017%; no homozygotes.

Submission:

Labcorp Genetics (formerly Invitae), Labcorp
Classification: Uncertain significance for Neuronopathy, distal hereditary motor, autosomal recessive 4; Charcot-Marie-Tooth disease recessive intermediate C. Last evaluated: 2021-08-28. Review status: criteria provided, single submitter. Criteria: Invitae Variant Classification Sherloc (09022015). Collection method: clinical testing. Allele origin: germline.
Comment: This sequence change replaces alanine with valine at codon 380 of the PLEKHG5 protein (p.Ala380Val). The alanine residue is moderately conserved and there is a small physicochemical difference between alanine and valine. This variant is not present in population databases (ExAC no frequency). This variant has not been reported in the literature in individuals affected with PLEKHG5-related conditions. Algorithms developed to predict the effect of missense changes on protein structure and function output the following: SIFT: "Tolerated"; PolyPhen-2: "Benign"; Align-GVGD: "Class C0". The valine amino acid residue is found in multiple mammalian species, which suggests that this missense change does not adversely affect protein function. In summary, the available evidence is currently insufficient to determine the role of this variant in disease. Therefore, it has been classified as a Variant of Uncertain Significance.

NM_020631.6(PLEKHG5):c.1139C>T (p.Ala380Val)

Gene: PLEKHG5 (pleckstrin homology and RhoGEF domain containing G5; minus strand). Cytogenetic location: 1p36.31.
Variant type: single nucleotide variant.
Coding change: c.1139C>T on transcript NM_020631.6 (MANE Select); coding-DNA position 1139, C replaced by T.
Protein change: p.Ala380Val; replaces alanine 380 with valine.
Molecular consequence: missense variant.
Genome position (GRCh38, 1-based): chr1:6,471,630, G>A on the plus strand (C>T on the coding strand, the complement: PLEKHG5 is on the minus strand). VCF-style: chr1-6471630-G-A. GRCh37 (hg19) VCF-style: chr1-6531690-G-A.
Other names: c.1250C>T, p.Ala417Val (NM_001042663.3, NM_001265592.2); c.1139C>T, p.Ala380Val (NM_001042664.2, NM_001042665.2, NM_001265594.3 and 1 more transcripts); c.1346C>T, p.Ala449Val (NM_001265593.2); short protein forms A449V, A380V, A417V.
Identifiers: ClinVar variation 641237 (VCV000641237.8), dbSNP rs374286001, ClinGen allele CA17238374.